The following is an entry in ClinVar:

NM_001393586.1(MYO7B):c.735+8C>A

Gene: MYO7B (myosin VIIB; plus strand). Cytogenetic location: 2q14.3.
Variant type: single nucleotide variant.
Coding change: c.735+8C>A on transcript NM_001393586.1 (MANE Select); 8 bases into the intron after coding-DNA position 735, C replaced by A.
Molecular consequence: intron variant.
Genome position (GRCh38, 1-based): chr2:127,574,070, C>A. VCF-style: chr2-127574070-C-A. GRCh37 (hg19) VCF-style: chr2-128331645-C-A.
Other names: c.735+8C>A (NM_001080527.2).
Identifiers: ClinVar variation 3037233 (VCV003037233.2), dbSNP rs76746601, ClinGen allele CA1860521.

ClinVar aggregate classification (germline): Benign (0 of 4 stars; one submission).

Conditions:
MYO7B-related disorder. Also called: MYO7B-related condition.

Allele frequency attached by ClinVar (database versions not stated): ESP Exome Variant Server 0.05498; TOPMed 0.05970; ExAC 0.07961; 1000 Genomes Project 30x 0.08916; 1000 Genomes Project 0.09565.
gnomAD v4.1: 116,226 of 1,613,738 alleles (7.2%); highest among the groups gnomAD compares: South Asian, 19%; 5,329 homozygotes.

Submission:

PreventionGenetics, part of Exact Sciences
Classification: Benign for MYO7B-related condition. Last evaluated: 2019-12-06. Review status: no assertion criteria provided. Collection method: clinical testing. Allele origin: germline.
Comment: This variant is classified as benign based on ACMG/AMP sequence variant interpretation guidelines (Richards et al. 2015 PMID: 25741868, with internal and published modifications).